The following is an entry in ClinVar:

ClinVar aggregate classification (germline): Benign (1 of 4 stars; one submission).

gnomAD v4.1: 7,943 of 1,548,870 alleles (0.51%); highest among the groups gnomAD compares: Middle Eastern, 3.9%; 65 homozygotes.

Submission:

CeGaT Center for Human Genetics Tuebingen
Classification: Benign. Last evaluated: 2026-07-01. Review status: criteria provided, single submitter. Criteria: CeGaT Center For Human Genetics Tuebingen Variant Classification Criteria Version 2. Collection method: clinical testing. Allele origin: germline. Affected: yes. Observed: 5 variant alleles.
Comment: COX8C: BP4, BP7, BS1, BS2

NM_182971.3(COX8C):c.111G>T (p.Arg37=)

Genes: COX8C (cytochrome c oxidase subunit 8C; plus strand), UNC79 (unc-79 subunit of NALCN channel complex; plus strand). Cytogenetic location: 14q32.12.
Variant type: single nucleotide variant.
Coding change: c.111G>T on transcript NM_182971.3 (MANE Select); coding-DNA position 111, G replaced by T.
Protein change: p.Arg37=; no amino-acid change (arginine 37 retained).
Molecular consequence: synonymous variant. On other transcripts: intron variant (1).
Genome position (GRCh38, 1-based): chr14:93,347,379, G>T. VCF-style: chr14-93347379-G-T. GRCh37 (hg19) VCF-style: chr14-93813725-G-T.
Other names: c.-351+13856G>T (NM_020818.5).
Identifiers: ClinVar variation 3904879 (VCV003904879.10).